The following is an entry in ClinVar:

ClinVar aggregate classification (germline): Uncertain significance. Review status: criteria provided, multiple submitters, no conflicts (2 of 4 stars). 2 submissions from 2 submitters: Uncertain significance (2). Last evaluated 2023-12-06.

Allele frequency attached by ClinVar (database versions not stated): ExAC 0.00005; gnomAD 0.00018; TOPMed 0.00021; ESP Exome Variant Server 0.00023.
gnomAD v4.1: 167 of 1,614,040 alleles (0.01%); highest among the groups gnomAD compares: African/African-American, 0.043%; no homozygotes.

Submissions (2):

Labcorp Genetics (formerly Invitae), Labcorp
Classification: Uncertain significance. Last evaluated: 2023-12-06. Review status: criteria provided, single submitter. Criteria: Invitae Variant Classification Sherloc (09022015). Collection method: clinical testing. Allele origin: germline.
Comment: This sequence change replaces arginine, which is basic and polar, with glutamine, which is neutral and polar, at codon 1937 of the FAT2 protein (p.Arg1937Gln). This variant is present in population databases (rs145637545, gnomAD 0.05%). This variant has not been reported in the literature in individuals affected with FAT2-related conditions. ClinVar contains an entry for this variant (Variation ID: 2366116). An algorithm developed to predict the effect of missense changes on protein structure and function (PolyPhen-2) suggests that this variant is likely to be tolerated. In summary, the available evidence is currently insufficient to determine the role of this variant in disease. Therefore, it has been classified as a Variant of Uncertain Significance.

Ambry Genetics
Classification: Uncertain significance. Last evaluated: 2022-03-23. Review status: criteria provided, single submitter. Criteria: Ambry Variant Classification Scheme 2023. Collection method: clinical testing. Allele origin: germline.

NM_001447.3(FAT2):c.5810G>A (p.Arg1937Gln)

Genes: FAT2 (FAT atypical cadherin 2; minus strand), SLC36A1 (solute carrier family 36 member 1; plus strand). Cytogenetic location: 5q33.1.
Variant type: single nucleotide variant.
Coding change: c.5810G>A on transcript NM_001447.3 (MANE Select); coding-DNA position 5810, G replaced by A.
Protein change: p.Arg1937Gln; replaces arginine 1937 with glutamine.
Molecular consequence: missense variant.
Genome position (GRCh38, 1-based): chr5:151,545,317, C>T on the plus strand (G>A on the coding strand, the complement: FAT2 is on the minus strand). VCF-style: chr5-151545317-C-T. GRCh37 (hg19) VCF-style: chr5-150924878-C-T.
Other names: short protein forms R1937Q.
Identifiers: ClinVar variation 2366116 (VCV002366116.5), dbSNP rs145637545, ClinGen allele CA3521230.